The following is an entry in ClinVar:

NM_001195263.2(PDZD7):c.929-2A>G

Gene: PDZD7 (PDZ domain containing 7; minus strand). Cytogenetic location: 10q24.31.
Variant type: single nucleotide variant.
Coding change: c.929-2A>G on transcript NM_001195263.2 (MANE Select); the canonical splice acceptor site of the intron before coding-DNA position 929, A replaced by G.
Molecular consequence: splice acceptor variant.
Genome position (GRCh38, 1-based): chr10:101,019,219, T>C on the plus strand (A>G on the coding strand, the complement: PDZD7 is on the minus strand). VCF-style: chr10-101019219-T-C. GRCh37 (hg19) VCF-style: chr10-102778976-T-C.
Other names: c.929-2A>G (NM_024895.5, NM_001351044.2).
Identifiers: ClinVar variation 1486025 (VCV001486025.6), dbSNP rs1195820653, ClinGen allele CA378229102.

ClinVar aggregate classification (germline): Likely pathogenic (1 of 4 stars; one submission).

Allele frequency attached by ClinVar (database versions not stated): gnomAD exomes below 0.00001 and 0.00001; TOPMed 0.00001.

Submission:

Labcorp Genetics (formerly Invitae), Labcorp
Classification: Likely pathogenic. Last evaluated: 2021-07-18. Review status: criteria provided, single submitter. Criteria: Invitae Variant Classification Sherloc (09022015). Collection method: clinical testing. Allele origin: germline.
Comment: In summary, the currently available evidence indicates that the variant is pathogenic, but additional data are needed to prove that conclusively. Therefore, this variant has been classified as Likely Pathogenic. Algorithms developed to predict the effect of sequence changes on RNA splicing suggest that this variant may disrupt the consensus splice site. This variant has not been reported in the literature in individuals affected with PDZD7-related conditions. The frequency data for this variant in the population databases is considered unreliable, as metrics indicate insufficient coverage at this position in the ExAC database. This sequence change affects an acceptor splice site in intron 7 of the PDZD7 gene. It is expected to disrupt RNA splicing. Variants that disrupt the donor or acceptor splice site typically lead to a loss of protein function (PMID: 16199547), and loss-of-function variants in PDZD7 are known to be pathogenic (PMID: 20440071).

Literature cited by the submitters: PubMed 16199547; PubMed 20440071.